The following is an entry in ClinVar:

ClinVar aggregate classification (germline): Likely pathogenic. Review status: criteria provided, single submitter (1 of 4 stars). 2 submissions from 2 submitters: Likely pathogenic (1). 1 of the submissions does not count toward it. Last evaluated 2011-08-18.

Conditions:
Dominant beta-thalassemia. Also called: Beta-thalassemia, dominant inclusion body type. Identifiers: Orphanet 231226, Orphanet 848, MedGen C1858990, MONDO:0011381, OMIM 603902.
beta Thalassemia (BTHAL). Also called: Cooley's anemia; Erythroblastic anemia; Mediterranean anemia. Identifiers: Orphanet 848, MedGen C0005283, MONDO:0019402. Disease mechanism: loss of function.

Submissions (2):

Women's Health and Genetics/Laboratory Corporation of America, LabCorp
Classification: Likely pathogenic for dominant Beta Thalassemia. Last evaluated: 2011-08-18. Review status: criteria provided, single submitter. Criteria: LabCorp Variant Classification Summary - May 2015. Collection method: curation, clinical testing. Allele origin: germline. Inheritance: autosomal dominant. Affected: yes. Observed: 1 variant allele.
ClinVar note: Converted during submission from likely pathogenic to Likely pathogenic.

The ITHANET community portal, The Cyprus Institute of Neurology and Genetics
Classification: Pathogenic for beta Thalassemia. Last evaluated: 2019-11-25. Review status: no assertion criteria provided. Collection method: curation. Allele origin: germline. Not counted in ClinVar's aggregate classification.

Literature cited by the submitters: PubMed 20532507 (cited by Women's Health and Genetics/Laboratory Corporation of America, LabCorp and The ITHANET community portal, The Cyprus Institute of Neurology and Genetics).

NM_000518.5(HBB):c.201del (p.Val68fs)

Genes: HBB (hemoglobin subunit beta; minus strand), LOC106099062 (HBB recombination region; plus strand), LOC107133510 (origin of replication at HBB; plus strand). Cytogenetic location: 11p15.4.
Variant type: Deletion.
Coding change: c.201del on transcript NM_000518.5 (MANE Select); coding-DNA position 201, one base deleted (A; older notation c.201delA).
Protein change: p.Val68fs; shifts the reading frame from valine 68.
Molecular consequence: frameshift variant.
Genome position (GRCh38, 1-based): chr11:5,226,691, T deleted on the plus strand (A on the coding strand, the reverse complement: HBB is on the minus strand); the first of 3 consecutive T bases (chr11:5,226,691-5,226,693); deleting any one gives the same sequence. VCF-style (leftmost placement, unchanged base first): chr11-5226690-CT-C. GRCh37 (hg19) VCF-style: chr11-5247920-CT-C.
Other names: CD 66 -A; short protein forms V68fs.
Identifiers: ClinVar variation 36302 (VCV000036302.4), dbSNP rs193922553, ClinGen allele CA213885.